The following is an entry in ClinVar:

Conditions:
Breast-ovarian cancer, familial, susceptibility to, 1 (BROVCA1). Also called: BRCA1 Hereditary Breast and Ovarian Cancer; OVARIAN CANCER, SUSCEPTIBILITY TO. Identifiers: Orphanet 145, MedGen C2676676, MONDO:0011450, OMIM 604370. Disease mechanism: loss of function.

Submission:

Brotman Baty Institute, University of Washington
No classification provided (evidence only). Condition: Breast-ovarian cancer, familial 1. Review status: no classification provided. Collection method: in vitro. Allele origin: not applicable. Functional consequence: functionally_normal.
ClinVar note: "not provided" was previously submitted as the classification for the variant. However, the classification appeared to be based only on an observation of functional data so it was converted to no classification on 2025-07-30.

NM_007294.4(BRCA1):c.5278-12C>T

Gene: BRCA1 (BRCA1 DNA repair associated; minus strand). Cytogenetic location: 17q21.31.
Variant type: single nucleotide variant.
Coding change: c.5278-12C>T on transcript NM_007294.4 (MANE Select); 12 bases into the intron before coding-DNA position 5278, C replaced by T.
Molecular consequence: intron variant.
Genome position (GRCh38, 1-based): chr17:43,051,129, G>A on the plus strand (C>T on the coding strand, the complement: BRCA1 is on the minus strand). VCF-style: chr17-43051129-G-A. GRCh37 (hg19) VCF-style: chr17-41203146-G-A.
Other names: c.1825-12C>T (NM_001408458.1, NM_001408461.1, NM_001408464.1 and 7 more transcripts); c.4387-12C>T (NM_001407967.1); c.4897-12C>T (NM_001407959.1); c.5011-12C>T (NM_001407931.1, NM_001407932.1, NM_001407928.1 and 4 more transcripts); c.5134-12C>T (NM_001407747.1, NM_001407745.1, NM_001407737.1 and 21 more transcripts); c.4894-12C>T (NM_001407962.1, NM_001407960.1); c.1465-12C>T (NM_001408512.1); c.1588-12C>T (NM_001408510.1); and 74 more.
Identifiers: ClinVar variation 868275 (VCV000868275.3), dbSNP rs1597804575, ClinGen allele CA916081074.